The following is an entry in ClinVar:

NM_001172509.2(SATB2):c.1085C>A (p.Pro362Gln)

Gene: SATB2 (SATB homeobox 2; minus strand). Cytogenetic location: 2q33.1.
Variant type: single nucleotide variant.
Coding change: c.1085C>A on transcript NM_001172509.2 (MANE Select); coding-DNA position 1085, C replaced by A.
Protein change: p.Pro362Gln; replaces proline 362 with glutamine.
Molecular consequence: missense variant.
Genome position (GRCh38, 1-based): chr2:199,348,789, G>T on the plus strand (C>A on the coding strand, the complement: SATB2 is on the minus strand). VCF-style: chr2-199348789-G-T. GRCh37 (hg19) VCF-style: chr2-200213512-G-T.
Other names: c.1085C>A, p.Pro362Gln (NM_001172517.1, NM_015265.4); short protein forms P362Q.
Identifiers: ClinVar variation 1309642 (VCV001309642.3), dbSNP rs2105822933, ClinGen allele CA350387303.

ClinVar aggregate classification (germline): Likely benign (1 of 4 stars; one submission).

Submission:

GeneDx
Classification: Likely benign. Last evaluated: 2022-04-06. Review status: criteria provided, single submitter. Criteria: GeneDx Variant Classification Process June 2021. Collection method: clinical testing. Allele origin: germline. Affected: yes.
Comment: Not observed at significant frequency in large population cohorts (gnomAD); In silico analysis supports that this missense variant does not alter protein structure/function; Has not been previously published as pathogenic or benign to our knowledge